The following is an entry in ClinVar:

NM_181840.1(KCNK18):c.414_415del (p.Phe139fs)

Gene: KCNK18 (potassium two pore domain channel subfamily K member 18; plus strand). Cytogenetic location: 10q25.3.
Variant type: Microsatellite.
Coding change: c.414_415del on transcript NM_181840.1 (MANE Select); coding-DNA positions 414 to 415, 2 bases deleted (CT; older notation c.414_415delCT).
Protein change: p.Phe139fs; shifts the reading frame from phenylalanine 139.
Molecular consequence: frameshift variant.
Genome position (GRCh38, 1-based): chr10:117,209,558-117,209,559, CT deleted; deleting any 2 consecutive bases within chr10:117,209,554-117,209,559 gives the same sequence; the c. name uses the placement nearest the transcript's 3' end. VCF-style (leftmost placement, unchanged base first): chr10-117209553-GCT-G. GRCh37 (hg19) VCF-style: chr10-118969064-GCT-G.
Other names: c.414_415delCT (NM_181840.1); c.410_411del (NM_181840.1); short protein forms F139fs.
Identifiers: ClinVar variation 18398 (VCV000018398.34), dbSNP rs869025175, ClinGen allele CA351487.

ClinVar aggregate classification (germline): Conflicting classifications of pathogenicity. Review status: criteria provided, conflicting classifications (1 of 4 stars). 8 submissions from 8 submitters: Likely pathogenic (1); Uncertain significance (6). 1 of the submissions does not count toward it. Last evaluated 2026-06-26.

Conditions:
Vascular parkinsonism. Identifiers: MedGen C0393568, MONDO:0956980.
Parkinson disease (PD). Identifiers: MedGen C0030567, MeSH D010300, MONDO:0005180.
Parkinsonian disorder. Also called: Parkinsonism. Identifiers: MedGen C0242422, MONDO:0021095, HP:0001300.
KCNK18-related disorder. Also called: KCNK18-related condition.
Migraine, with or without aura, susceptibility to, 13. Also called: MIGRAINE WITH AURA, SUSCEPTIBILITY TO, 13. Identifiers: MedGen C4225479, MONDO:0013344, OMIM 613656.

Submissions (8):

PreventionGenetics, part of Exact Sciences
Classification: Uncertain significance for KCNK18-related condition. Last evaluated: 2026-06-26. Review status: criteria provided, single submitter. Criteria: ACMG Guidelines, 2015. Collection method: clinical testing. Allele origin: germline.
Comment: The KCNK18 c.414_415delCT variant is predicted to result in a frameshift and premature protein termination (p.Phe139Trpfs*25). This variant, also referred to as F139WfsX24 in the literature, was found to segregate with affected individuals in a large family with migraine (Lafrenière et al. 2010. PubMed ID: 20871611). This variant was also reported in an individual with migraine with aura, hemiplegic migraine, and cognitive decline (eTable 2, Schuermans et al. 2023. PubMed ID: 37152446). Multiple functional studies in different cell lines have shown that this variant suppresses wild type channel function through a dominant negative effect (Lafrenière et al. 2010. PubMed ID: 20871611; referred to as the frameshift mutation or MT, Liu et al. 2013. PubMed ID: 23904616; Pettingill et al. 2019. PubMed ID: 31742594; referred to as TRESK MT, Royal et al. 2019. PubMed ID: 30573346). Despite the functional evidence, protein truncating variants have not been well documented in this gene (Human Gene Mutation Database), and the GenCC database has multiple submissions conflicting strength of gene disease association ranging from limited to strong evidence. This variant is reported in 0.079% of alleles in individuals of European (Non-Finnish) descent in gnomAD, which is higher than expected for a highly penetrant variant. At this time, the clinical significance of this variant is uncertain due to the absence of conclusive functional and genetic evidence.

GeneDx
Classification: Uncertain significance. Last evaluated: 2025-03-11. Review status: criteria provided, single submitter. Criteria: GeneDx Variant Classification Process June 2021. Collection method: clinical testing. Allele origin: germline. Affected: yes.
Comment: Segregates with typical migraine with visual aura in a single family in the published literature (PMID: 20871611); Frameshift variant predicted to result in abnormal protein length as the last 246 amino acids are replaced with 24 different amino acids in a gene for which loss-of-function is not an established mechanism of disease; Variants in candidate genes are classified as variants of uncertain significance in accordance with ACMG guidelines (PMID: 25741868); This variant is associated with the following publications: (PMID: 20871611, 23904616, 31589614, 37152446, 31742594, 30573346, 35806193, 36044383, 36800925, 37628876)

The Egyptian Network for Neurodegenerative Diseases (ENND), The American University in Cairo
Classification: Uncertain significance for Vascular parkinsonism; Parkinsonian disorder; Parkinson disease. Last evaluated: 2024-10-01. Review status: criteria provided, single submitter. Criteria: ACMG Guidelines, 2015. Collection method: research. Allele origin: germline. Affected: yes.
Comment: This rare variant (MAF 0/0.0004 in 1000Genomes and GnomAD) classified as VUS according to ACMG is associated with autosomal dominant migraine with aura (MGR13) as identified in a 4-generation family due to same heterozygous frameshift 2-bp deletion (414delCT) and premature termination in the second transmembrane domain in the KCNK18 gene (PMID:20871611), Functional expression studies in Xenopus oocytes showed that the mutant protein resulted in a lack of potassium currents and acted in a dominant-negative fashion when coexpressed with the wildtype protein. Migraine with aura (MWA) is a risk factor for both ischemic and hemorrhagic stroke. MWA is generally the first symptom and is present in 30–40% of CADASIL patients, which phenotypically overlaps with vascular parkinsonism.

CeGaT Center for Human Genetics Tuebingen
Classification: Uncertain significance. Last evaluated: 2024-07-01. Review status: criteria provided, single submitter. Criteria: CeGaT Center For Human Genetics Tuebingen Variant Classification Criteria Version 2. Collection method: clinical testing. Allele origin: germline. Affected: yes. Observed: 2 variant alleles.
Comment: KCNK18: PP1:Strong, PS3:Supporting

Women's Health and Genetics/Laboratory Corporation of America, LabCorp
Classification: Uncertain significance. Last evaluated: 2024-06-25. Review status: criteria provided, single submitter. Criteria: LabCorp Variant Classification Summary - May 2015. Collection method: clinical testing. Allele origin: germline.
Comment: Variant summary: KCNK18 c.414_415delCT (p.Phe139TrpfsX25) results in a premature termination codon in the last exon, therefore it is predicted to escape nonsense mediated decay (NMD), but is expected remove a large part of the 384 amino acid long protein. On the other hand, upstream out-of-frame ATG triplets could be found, which if utilized, would bring into frame the sequence downstream of the frameshift, generating an N-terminally truncated and altered protein product, and this prediction is supported by in vitro functional studies (Royal_2019). The variant allele was found at a frequency of 0.00044 in 251476 control chromosomes (gnomAD v2.1). This frequency is not higher than the estimated maximum expected for a pathogenic variant in KCNK18 causing Migraine, With Or Without Aura, Susceptibility To, 13, allowing no conclusion about variant significance. The variant, c.414_415delCT, has been reported in the literature in a large family where it was found in individuals affected with Migraine, and was absent from unaffected family members (Lafreniere_2010). Authors of this study and others reported loss-of-function effect for this variant (i.e. reduction of current), which also interfered with normal channel activity in a dominant negative fashion (e.g. Lafreniere_2010, Liu_2013). On the other hand, later functional studies suggested an (additional) gain-of-function mechanism, caused by the protein product of an upstream start codon (ATG), resulting in a protein fragment which could interfere with the function of other channels (Royal_2019). These reports do not provide unequivocal conclusions about association of the variant with Migraine, With Or Without Aura, Susceptibility To, 13. On the other hand, a recent genome-wide association study (GWAS) observed this variant with equal frequency in controls and cases (i.e. in 196 controls, and 10 cases), concluding that there was no association between the presence of this variant and migraine susceptibility (Markel_2022). The following publications have been ascertained in the context of this evaluation (PMID: 20871611, 23904616, 30573346, 31742594, 36044383). ClinVar contains an entry for this variant (Variation ID: 18398). Based on the evidence outlined above, the variant was classified as uncertain significance.

Labcorp Genetics (formerly Invitae), Labcorp
Classification: Uncertain significance. Last evaluated: 2023-12-20. Review status: criteria provided, single submitter. Criteria: Invitae Variant Classification Sherloc (09022015). Collection method: clinical testing. Allele origin: germline.
Comment: This sequence change creates a premature translational stop signal (p.Phe139Trpfs*25) in the KCNK18 gene. While this is not anticipated to result in nonsense mediated decay, it is expected to disrupt the last 246 amino acid(s) of the KCNK18 protein. This variant is present in population databases (rs780712214, gnomAD 0.08%), and has an allele count higher than expected for a pathogenic variant. This premature translational stop signal has been observed in individual(s) with migraine (PMID: 20871611). ClinVar contains an entry for this variant (Variation ID: 18398). Algorithms developed to predict the effect of variants on protein structure and function are not available or were not evaluated for this variant. Experimental studies have shown that this premature translational stop signal affects KCNK18 function (PMID: 573346, 31742594). In summary, the available evidence is currently insufficient to determine the role of this variant in disease. Therefore, it has been classified as a Variant of Uncertain Significance.

Department of Pathology and Laboratory Medicine, Sinai Health System
Classification: Likely pathogenic for migraine, with or without aura, susceptibility to, 13. Last evaluated: 2020-07-28. Review status: criteria provided, single submitter. Criteria: ACMG Guidelines, 2015. Collection method: research. Allele origin: germline.

OMIM
Classification: risk factor for MIGRAINE WITH AURA, SUSCEPTIBILITY TO, 13 (1 family). Last evaluated: 2010-10-01. Review status: no assertion criteria provided. Collection method: literature only. Allele origin: germline. Not counted in ClinVar's aggregate classification.

Literature cited by the submitters: PubMed 40786864 (cited by The Egyptian Network for Neurodegenerative Diseases (ENND), The American University in Cairo); PubMed 20871611 (cited by 4 submitters); PubMed 23904616 (cited by Women's Health and Genetics/Laboratory Corporation of America, LabCorp); PubMed 36044383 (cited by Women's Health and Genetics/Laboratory Corporation of America, LabCorp); PubMed 31742594 (cited by Women's Health and Genetics/Laboratory Corporation of America, LabCorp and Labcorp Genetics (formerly Invitae), Labcorp); PubMed 30573346 (cited by Women's Health and Genetics/Laboratory Corporation of America, LabCorp); PubMed 573346 (cited by Labcorp Genetics (formerly Invitae), Labcorp).